The following is an entry in ClinVar:

ClinVar aggregate classification (germline): Likely benign. Review status: criteria provided, multiple submitters, no conflicts (2 of 4 stars). 4 submissions from 4 submitters: Likely benign (4). Last evaluated 2025-11-05.

Conditions:
NF1-related disorder. Also called: NF1-related condition. Identifiers: MedGen CN379171.
Hereditary cancer-predisposing syndrome. Also called: Hereditary neoplastic syndrome; Neoplastic Syndromes, Hereditary; Hereditary Cancer Syndrome; Tumor predisposition. Identifiers: Orphanet 140162, MedGen C0027672, MeSH D009386, MONDO:0015356.
Cardiovascular phenotype. Identifiers: MedGen CN230736.
Neurofibromatosis, type 1 (NF1). Also called: Peripheral type neurofibromatosis; VON RECKLINGHAUSEN DISEASE; NEUROFIBROMATOSIS, TYPE I, SOMATIC; Neurofibromatosis, type I. Identifiers: Orphanet 636, MedGen C0027831, MONDO:0018975, OMIM 162200. Disease mechanism: loss of function.

Submissions (4):

Labcorp Genetics (formerly Invitae), Labcorp
Classification: Likely benign for Neurofibromatosis, type 1. Last evaluated: 2025-11-05. Review status: criteria provided, single submitter. Criteria: Invitae Variant Classification Sherloc (09022015). Collection method: clinical testing. Allele origin: germline.

PreventionGenetics, part of Exact Sciences
Classification: Likely benign for NF1-related condition. Last evaluated: 2025-07-11. Review status: criteria provided, single submitter. Criteria: ACMG Guidelines, 2015. Collection method: clinical testing. Allele origin: germline.
Comment: This variant is classified as likely benign based on ACMG/AMP sequence variant interpretation guidelines (Richards et al. 2015 PMID: 25741868, with internal and published modifications).

Genome-Nilou Lab
Classification: Likely benign for Neurofibromatosis, type 1. Last evaluated: 2022-03-15. Review status: criteria provided, single submitter. Criteria: ACMG Guidelines, 2015. Collection method: clinical testing. Allele origin: germline. Affected: no.

Ambry Genetics
Classification: Likely benign for Cardiovascular phenotype; Hereditary cancer-predisposing syndrome. Last evaluated: 2018-10-15. Review status: criteria provided, single submitter. Criteria: Ambry Variant Classification Scheme 2023. Collection method: clinical testing. Allele origin: germline.

NM_001042492.3(NF1):c.3129A>G (p.Glu1043=)

Gene: NF1 (neurofibromin 1; plus strand). Cytogenetic location: 17q11.2.
Variant type: single nucleotide variant.
Coding change: c.3129A>G on transcript NM_001042492.3 (MANE Select); coding-DNA position 3129, A replaced by G.
Protein change: p.Glu1043=; no amino-acid change (glutamic acid 1043 retained).
Molecular consequence: synonymous variant.
Genome position (GRCh38, 1-based): chr17:31,230,857, A>G. VCF-style: chr17-31230857-A-G. GRCh37 (hg19) VCF-style: chr17-29557875-A-G.
Other names: c.3129A>G, p.Glu1043= (NM_000267.4).
Identifiers: ClinVar variation 760123 (VCV000760123.15), dbSNP rs1597717530, ClinGen allele CA499232161.